The following is an entry in ClinVar:

NM_001267550.2(TTN):c.19356C>T (p.Ser6452=)

Gene: TTN (titin; minus strand). Cytogenetic location: 2q31.2.
Variant type: single nucleotide variant.
Coding change: c.19356C>T on transcript NM_001267550.2 (MANE Select); coding-DNA position 19356, C replaced by T.
Protein change: p.Ser6452=; no amino-acid change (serine 6452 retained).
Molecular consequence: synonymous variant. On other transcripts: intron variant (3).
Genome position (GRCh38, 1-based): chr2:178,728,570, G>A on the plus strand (C>T on the coding strand, the complement: TTN is on the minus strand). VCF-style: chr2-178728570-G-A. GRCh37 (hg19) VCF-style: chr2-179593297-G-A.
Other names: c.18405C>T, p.Ser6135= (NM_001256850.1); c.15624C>T, p.Ser5208= (NM_133378.4); c.13282+9512C>T (NM_003319.4); c.13858+9512C>T (NM_133437.4); c.13657+9512C>T (NM_133432.3); c.19356C>T (NM_001267550.1).
Identifiers: ClinVar variation 46657 (VCV000046657.60), dbSNP rs369275615, ClinGen allele CA138877.
Genomic context (GRCh38, chr2:178,728,570, plus strand): 5'-TAAGTAGGCATCACAGCTACTGCTTCCGAAGTCATTTTCCACCTTGAAAGTGTACTGACC[G>A]CTGTCCTGCTTCATTACTGACTGAATTCTAAAACTGGCCACGTTATTTTCAAAACTCATT-3'
Protein context (NP_001254479.2, residues 6442-6462): FRIQSVMKQD[Ser6452=]GQYTFKVEND

ClinVar aggregate classification (germline): Conflicting classifications of pathogenicity. Review status: criteria provided, conflicting classifications (1 of 4 stars). 12 submissions from 8 submitters: Uncertain significance (3); Benign (2); Likely benign (7). Last evaluated 2026-03-21.

Conditions:
TTN-related disorder. Also called: TTN-related condition; TTN-related disease; TTN-related disorders.
Dilated cardiomyopathy 1G (CMD1G). Identifiers: Orphanet 154, MedGen C1858763, MONDO:0011400, OMIM 604145.
Autosomal recessive limb-girdle muscular dystrophy type 2J (LGMDR10). Also called: Limb-girdle muscular dystrophy, type 2J; MUSCULAR DYSTROPHY, LIMB-GIRDLE, AUTOSOMAL RECESSIVE 10. Identifiers: Orphanet 140922, MedGen C1837342, MONDO:0012127, OMIM 608807.
Early-onset myopathy with fatal cardiomyopathy (CMYO5). Also called: Salih Myopathy; CONGENITAL MYOPATHY 5 WITH CARDIOMYOPATHY. Identifiers: Orphanet 289377, MedGen C2673677, MONDO:0012714, OMIM 611705. Disease mechanism: loss of function.
Myopathy, myofibrillar, 9, with early respiratory failure (MFM9). Also called: Hereditary myopathy with early respiratory failure; Myopathy, distal, with early respiratory failure, autosomal dominant; EDSTROM MYOPATHY; MYOPATHY, PROXIMAL, WITH EARLY RESPIRATORY MUSCLE INVOLVEMENT. Identifiers: Orphanet 178464, Orphanet 34521, MedGen C1863599, MONDO:0011362, OMIM 603689.
Tibial muscular dystrophy (TMD). Also called: Udd Distal Myopathy – Tibial Muscular Dystrophy; Tibial muscular dystrophy, tardive; UDD MYOPATHY. Identifiers: Orphanet 609, MedGen C1838244, MONDO:0010870, OMIM 600334.

Allele frequency attached by ClinVar (database versions not stated): gnomAD 0.00003 and 0.00004; TOPMed 0.00006; ESP Exome Variant Server 0.00008; gnomAD exomes 0.00010; ExAC 0.00014.
gnomAD v4.1: 117 of 1,612,872 alleles (0.0073%); highest among the groups gnomAD compares: South Asian, 0.0099%; 1 homozygote.

Submissions (12):

PreventionGenetics, part of Exact Sciences
Classification: Likely benign for TTN-related condition. Last evaluated: 2026-03-21. Review status: criteria provided, single submitter. Criteria: ACMG Guidelines, 2015. Collection method: clinical testing. Allele origin: germline.
Comment: This variant is classified as likely benign based on ACMG/AMP sequence variant interpretation guidelines (Richards et al. 2015 PMID: 25741868, with internal and published modifications).

Labcorp Genetics (formerly Invitae), Labcorp
Classification: Likely benign for Dilated cardiomyopathy 1G; Autosomal recessive limb-girdle muscular dystrophy type 2J. Last evaluated: 2026-01-31. Review status: criteria provided, single submitter. Criteria: Invitae Variant Classification Sherloc (09022015). Collection method: clinical testing. Allele origin: germline.

CeGaT Center for Human Genetics Tuebingen
Classification: Likely benign. Last evaluated: 2025-07-01. Review status: criteria provided, single submitter. Criteria: CeGaT Center For Human Genetics Tuebingen Variant Classification Criteria Version 2. Collection method: clinical testing. Allele origin: germline. Affected: yes. Observed: 2 variant alleles.
Comment: TTN: BP4, BP7

Blueprint Genetics
Classification: Likely benign. Last evaluated: 2024-05-24. Review status: criteria provided, single submitter. Criteria: ACMG Guidelines, 2015. Collection method: clinical testing. Allele origin: germline.

Athena Diagnostics
Classification: Likely benign. Last evaluated: 2024-04-16. Review status: criteria provided, single submitter. Criteria: Athena Diagnostics Criteria. Collection method: clinical testing. Allele origin: unknown.

GeneDx
Classification: Likely benign. Last evaluated: 2020-11-20. Review status: criteria provided, single submitter. Criteria: GeneDx Variant Classification Process June 2021. Collection method: clinical testing. Allele origin: germline. Affected: yes.

Illumina Laboratory Services, Illumina
Classification: Benign for Myopathy, myofibrillar, 9, with early respiratory failure. Last evaluated: 2018-01-13. Review status: criteria provided, single submitter. Criteria: ICSL Variant Classification Criteria 13 December 2019. Collection method: clinical testing. Allele origin: germline.
Comment: This variant was observed in the ICSL laboratory as part of a predisposition screen in an ostensibly healthy population. It had not been previously curated by ICSL or reported in the Human Gene Mutation Database (HGMD: prior to June 1st, 2018), and was therefore a candidate for classification through an automated scoring system. Utilizing variant allele frequency, disease prevalence and penetrance estimates, and inheritance mode, an automated score was calculated to assess if this variant is too frequent to cause the disease. Based on the score and internal cut-off values, a variant classified as benign is not then subjected to further curation. The score for this variant resulted in a classification of benign for this disease.

Illumina Laboratory Services, Illumina
Classification: Uncertain significance for Dilated cardiomyopathy 1G. Last evaluated: 2018-01-13. Review status: criteria provided, single submitter. Criteria: ICSL Variant Classification Criteria 13 December 2019. Collection method: clinical testing. Allele origin: germline.

Illumina Laboratory Services, Illumina
Classification: Benign for Tibial muscular dystrophy. Last evaluated: 2018-01-13. Review status: criteria provided, single submitter. Criteria: ICSL Variant Classification Criteria 13 December 2019. Collection method: clinical testing. Allele origin: germline.
Comment: the same text as in the submission from Illumina Laboratory Services, Illumina above.

Illumina Laboratory Services, Illumina
Classification: Uncertain significance for Autosomal recessive limb-girdle muscular dystrophy type 2J. Last evaluated: 2018-01-13. Review status: criteria provided, single submitter. Criteria: ICSL Variant Classification Criteria 13 December 2019. Collection method: clinical testing. Allele origin: germline.

Illumina Laboratory Services, Illumina
Classification: Uncertain significance for Early-onset myopathy with fatal cardiomyopathy. Last evaluated: 2018-01-13. Review status: criteria provided, single submitter. Criteria: ICSL Variant Classification Criteria 13 December 2019. Collection method: clinical testing. Allele origin: germline.

Laboratory for Molecular Medicine, Mass General Brigham Personalized Medicine
Classification: Likely benign. Last evaluated: 2012-03-20. Review status: criteria provided, single submitter. Criteria: LMM Criteria. Collection method: clinical testing. Allele origin: germline. Observed: 1 variant allele.
Comment: Ser5208Ser in exon 63 of TTN: This variant is not expected to have clinical sign ificance because it does not alter an amino acid residue and is not located with in the splice consensus sequence. It has been identified in 1/3094 African Ameri can chromosomes from a broad population by the NHLBI Exome Sequencing Project. Ser5208Ser in exon 63 of TTN (allele frequen cy = 1/3094) **

Literature cited by the submitters: PubMed 24503780 (cited by Athena Diagnostics); PubMed 37904629 (cited by Athena Diagnostics).